The following is an entry in ClinVar:

ClinVar aggregate classification (germline): Likely benign (1 of 4 stars; one submission).

Conditions:
Hypercholesterolemia, autosomal dominant, 3 (FHCL3). Also called: Familial Hypercholesterolemia, Autosomal Dominant, 3; PCSK9-Related Familial Hypercholesterolemia, Autosomal Dominant; Familial hypercholesterolemia 3. Identifiers: MedGen C1863551, MONDO:0011369, OMIM 603776.

Submission:

All of Us Research Program, National Institutes of Health
Classification: Likely benign for Hypercholesterolemia, autosomal dominant, 3. Last evaluated: 2023-12-13. Review status: criteria provided, single submitter. Criteria: ACMG Guidelines, 2015. Collection method: clinical testing. Allele origin: germline. Inheritance: Autosomal dominant inheritance. Observed: 1 variant allele, 1 heterozygote.
Comment: This study involves interpretation of variants in research participants for the purpose of population health screening. Participant phenotype was not available at the time of variant classification. Additional details can be found in publication PMID: 35346344, PMCID: PMC8962531

NM_174936.4(PCSK9):c.1947C>A (p.Ala649=)

Gene: PCSK9 (proprotein convertase subtilisin/kexin type 9; plus strand). Cytogenetic location: 1p32.3.
Variant type: single nucleotide variant.
Coding change: c.1947C>A on transcript NM_174936.4 (MANE Select); coding-DNA position 1947, C replaced by A.
Protein change: p.Ala649=; no amino-acid change (alanine 649 retained).
Molecular consequence: synonymous variant. On other transcripts: non-coding transcript variant (8).
Genome position (GRCh38, 1-based): chr1:55,063,452, C>A. VCF-style: chr1-55063452-C-A. GRCh37 (hg19) VCF-style: chr1-55529125-C-A.
Other names: c.2070C>A, p.Ala690= (NM_001407240.1); c.1989C>A, p.Ala663= (NM_001407241.1); c.1950C>A, p.Ala650= (NM_001407242.1); c.1890C>A, p.Ala630= (NM_001407243.1); c.1773C>A, p.Ala591= (NM_001407244.1); c.1755C>A, p.Ala585= (NM_001407245.1); c.1572C>A, p.Ala524= (NM_001407246.1); c.1446C>A, p.Ala482= (NM_001407247.1).
Identifiers: ClinVar variation 3074758 (VCV003074758.1), dbSNP rs1316935112, ClinGen allele CA417960643.